The following is an entry in ClinVar:

NM_197968.4(ZMYM2):c.3082G>A (p.Val1028Ile)

Gene: ZMYM2 (zinc finger MYM-type containing 2; plus strand). Cytogenetic location: 13q12.11.
Variant type: single nucleotide variant.
Coding change: c.3082G>A on transcript NM_197968.4 (MANE Select); coding-DNA position 3082, G replaced by A.
Protein change: p.Val1028Ile; replaces valine 1028 with isoleucine.
Molecular consequence: missense variant. On other transcripts: non-coding transcript variant (1).
Genome position (GRCh38, 1-based): chr13:20,064,495, G>A. VCF-style: chr13-20064495-G-A. GRCh37 (hg19) VCF-style: chr13-20638635-G-A.
Other names: c.3082G>A, p.Val1028Ile (NM_001190964.4, NM_001190965.4, NM_001353157.2 and 5 more transcripts); c.2887G>A, p.Val963Ile (NM_001353161.3); c.2821G>A, p.Val941Ile (NM_001353163.2); short protein forms V1028I, V941I, V963I.
Identifiers: ClinVar variation 3359480 (VCV003359480.1).

ClinVar aggregate classification (germline): Uncertain significance (1 of 4 stars; one submission).

Submission:

GeneDx
Classification: Uncertain significance. Last evaluated: 2023-06-06. Review status: criteria provided, single submitter. Criteria: GeneDx Variant Classification Process June 2021. Collection method: clinical testing. Allele origin: germline. Affected: yes.
Comment: Not observed at significant frequency in large population cohorts (gnomAD); In silico analysis supports that this missense variant has a deleterious effect on protein structure/function; Has not been previously published as pathogenic or benign to our knowledge